The following is an entry in ClinVar:

ClinVar aggregate classification (germline): Uncertain significance. Review status: criteria provided, multiple submitters, no conflicts (2 of 4 stars). 2 submissions from 2 submitters: Uncertain significance (2). Last evaluated 2017-08-06.

Conditions:
Dilated cardiomyopathy 1Z (CMD1Z). Identifiers: Orphanet 154, MedGen C2678475, MONDO:0012745, OMIM 611879.
Hypertrophic cardiomyopathy 13. Also called: TNNC1-Related Familial Hypertrophic Cardiomyopathy. Identifiers: MedGen C2750472, MONDO:0013195, OMIM 613243.

Submissions (2):

Labcorp Genetics (formerly Invitae), Labcorp
Classification: Uncertain significance for Hypertrophic cardiomyopathy 13; Dilated cardiomyopathy 1Z. Last evaluated: 2017-08-06. Review status: criteria provided, single submitter. Criteria: Invitae Variant Classification Sherloc (09022015). Collection method: clinical testing. Allele origin: germline.
Comment: In summary, this variant is a rare missense change with uncertain impact on protein function. There is no indication that it causes disease, but the available evidence is currently insufficient to prove that conclusively. Therefore, it has been classified as a Variant of Uncertain Significance. Algorithms developed to predict the effect of missense changes on protein structure and function do not agree on the potential impact of this missense change (SIFT: "Deleterious"; PolyPhen-2: "Benign"; Align-GVGD: "Class C0"). This variant is not present in population databases (ExAC no frequency) and has not been reported in the literature in individuals with a TNNC1-related disease. ClinVar contains an entry for this variant (Variation ID: 181560). This sequence change replaces valine with glycine at codon 9 of the TNNC1 protein (p.Val9Gly). The valine residue is highly conserved and there is a moderate physicochemical difference between valine and glycine.

GeneDx
Classification: Uncertain significance. Last evaluated: 2014-05-28. Review status: criteria provided, single submitter. Criteria: GeneDx Variant Classification (06012015). Collection method: clinical testing. Allele origin: germline. Affected: yes.
Comment: This variant is denoted p.Val9Gly (GTA>GGA): c.26 T>G in exon 2 of the TNNC1 gene (NM_003280.2). The V9G variant has not been published as a mutation, nor has it been reported as a benign polymorphism to our knowledge. The V9G variant was not observed in approximately 6,500 individuals of European and African American ancestry in the NHLBI Exome Sequencing Project, indicating it is not a common benign variant in these populations. This substitution occurs at a position that is conserved in most mammals. A missense mutation in a nearby residue (A8V) has been reported in association with DCM, supporting the functional importance of this region of the protein. However, in silico analysis is inconsistent in its predictions as to whether or not the variant is damaging to the protein structure/function. Furthermore, the V9G variant is a conservative amino acid substitution, which is not likely to impact secondary protein structure as these residues share similar properties. Therefore, based on the currently available information, it is unclear whether this variant is a pathogenic mutation or a rare benign variant. The variant is found in DCM-CRDM panel(s).

NM_003280.3(TNNC1):c.26T>G (p.Val9Gly)

Gene: TNNC1 (troponin C1, slow skeletal and cardiac type; minus strand). Cytogenetic location: 3p21.1.
Variant type: single nucleotide variant.
Coding change: c.26T>G on transcript NM_003280.3 (MANE Select); coding-DNA position 26, T replaced by G.
Protein change: p.Val9Gly; replaces valine 9 with glycine.
Molecular consequence: missense variant.
Genome position (GRCh38, 1-based): chr3:52,452,512, A>C on the plus strand (T>G on the coding strand, the complement: TNNC1 is on the minus strand). VCF-style: chr3-52452512-A-C. GRCh37 (hg19) VCF-style: chr3-52486528-A-C.
Other names: p.V9G:GTA>GGA; c.26T>G (LRG_378t1); short protein forms V9G.
Identifiers: ClinVar variation 181560 (VCV000181560.6), dbSNP rs730881056, ClinGen allele CA297307.
Genomic context (GRCh38, chr3:52,452,512, plus strand): 5'-GGTCTCCCACATGTGTGATAGGGATTCTCACCATTTTTCTGCTCTTCTGTCAGCTGCTCT[A>C]CCTAGAAAGGAAAGGGAATCTCAAGGCTCAGACTCAGGTATAGCTGCTGCTGAGGAAACC-3'
Protein context (NP_003271.1, residues 1-19): MDDIYKAA[Val9Gly]EQLTEEQKNE